The following is an entry in ClinVar:

ClinVar aggregate classification (germline): Uncertain significance (1 of 4 stars; one submission).

Conditions:
KBG syndrome (KBGS). Also called: ANKRD11-Related KBG Syndrome. Identifiers: Orphanet 2332, MedGen C0220687, MONDO:0007846, OMIM 148050.

Submission:

Laboratorio de Genetica e Diagnostico Molecular, Hospital Israelita Albert Einstein
Classification: Uncertain significance for KBG syndrome. Last evaluated: 2023-10-11. Review status: criteria provided, single submitter. Criteria: ACMG Guidelines, 2015. Collection method: clinical testing. Allele origin: germline. Affected: yes.
Comment: ACMG classification criteria: PM2 moderate, BP4 supporting

NM_013275.6(ANKRD11):c.7163G>A (p.Arg2388His)

Gene: ANKRD11 (ankyrin repeat domain 11; minus strand). Cytogenetic location: 16q24.3.
Variant type: single nucleotide variant.
Coding change: c.7163G>A on transcript NM_013275.6 (MANE Select); coding-DNA position 7163, G replaced by A.
Protein change: p.Arg2388His; replaces arginine 2388 with histidine.
Molecular consequence: missense variant.
Genome position (GRCh38, 1-based): chr16:89,279,379, C>T on the plus strand (G>A on the coding strand, the complement: ANKRD11 is on the minus strand). VCF-style: chr16-89279379-C-T. GRCh37 (hg19) VCF-style: chr16-89345787-C-T.
Other names: c.7163G>A, p.Arg2388His (NM_001256182.2, NM_001256183.2); short protein forms R2388H.
Identifiers: ClinVar variation 3901042 (VCV003901042.1).